The following is an entry in ClinVar:

NM_001308210.2(TSHZ1):c.1867T>C (p.Ser623Pro)

Gene: TSHZ1 (teashirt zinc finger homeobox 1; plus strand). Cytogenetic location: 18q22.3.
Variant type: single nucleotide variant.
Coding change: c.1867T>C on transcript NM_001308210.2 (MANE Select); coding-DNA position 1867, T replaced by C.
Protein change: p.Ser623Pro; replaces serine 623 with proline.
Molecular consequence: missense variant.
Genome position (GRCh38, 1-based): chr18:75,287,274, T>C. VCF-style: chr18-75287274-T-C. GRCh37 (hg19) VCF-style: chr18-72999229-T-C.
Other names: c.1732T>C, p.Ser578Pro (NM_005786.6); c.1732T>C (NM_005786.5); short protein forms S623P, S578P.
Identifiers: ClinVar variation 3329579 (VCV003329579.2).

ClinVar aggregate classification (germline): Uncertain significance. Review status: criteria provided, multiple submitters, no conflicts (2 of 4 stars). 2 submissions from 2 submitters: Uncertain significance (2). Last evaluated 2026-06-30.

Conditions:
TSHZ1-related disorder. Also called: TSHZ1-related condition.

gnomAD v4.1: 5 of 1,613,840 alleles (0.00031%); highest among the groups gnomAD compares: Non-Finnish European, 0.00042%; no homozygotes.

Submissions (2):

PreventionGenetics, part of Exact Sciences
Classification: Uncertain significance for TSHZ1-related condition. Last evaluated: 2026-06-30. Review status: criteria provided, single submitter. Criteria: ACMG Guidelines, 2015. Collection method: clinical testing. Allele origin: germline.
Comment: The TSHZ1 c.1732T>C variant is predicted to result in the amino acid substitution p.Ser578Pro. To our knowledge, this variant has not been reported in the literature. This variant is reported in 0.0018% of alleles in individuals of European (Non-Finnish) descent in gnomAD. At this time, the clinical significance of this variant is uncertain due to the absence of conclusive functional and genetic evidence.

Ambry Genetics
Classification: Uncertain significance. Last evaluated: 2024-05-26. Review status: criteria provided, single submitter. Criteria: Ambry Variant Classification Scheme 2023. Collection method: clinical testing. Allele origin: germline.